The following is an entry in ClinVar:

NM_001913.5(CUX1):c.1309G>A (p.Glu437Lys)

Gene: CUX1 (cut like homeobox 1; plus strand). Cytogenetic location: 7q22.1.
Variant type: single nucleotide variant.
Coding change: c.1309G>A on transcript NM_001913.5 (MANE Plus Clinical); coding-DNA position 1309, G replaced by A.
Protein change: p.Glu437Lys; replaces glutamic acid 437 with lysine.
Molecular consequence: missense variant.
Genome position (GRCh38, 1-based): chr7:102,273,419, G>A. VCF-style: chr7-102273419-G-A. GRCh37 (hg19) VCF-style: chr7-101916690-G-A.
Other names: c.1261G>A, p.Glu421Lys (NM_001202544.3); c.1171G>A, p.Glu391Lys (NM_001202545.3); c.1192G>A, p.Glu398Lys (NM_001202546.3); c.1303G>A, p.Glu435Lys (NM_181500.4); short protein forms E437K, E391K, E398K, E421K, E435K.
Identifiers: ClinVar variation 4085158 (VCV004085158.8).
Genomic context (GRCh38, chr7:102,273,419, plus strand): 5'-GCCACAGGACGCTGTGCGGAGCTGCAAGTCCGTATCACTGAGGCTGTGGCCACAGCCACT[G>A]AGCAGAGAGAGCTGATCGCCCGCCTGGAGCAGGACCTGAGCATCATTCAGTCCATCCAGC-3'
Protein context (NP_001904.2, residues 427-447): RITEAVATAT[Glu437Lys]QRELIARLEQ

ClinVar aggregate classification (germline): Likely benign (1 of 4 stars; one submission).

gnomAD v4.1: 5 of 1,613,026 alleles (0.00031%); highest among the groups gnomAD compares: African/African-American, 0.0013%; no homozygotes.

Submission:

CeGaT Center for Human Genetics Tuebingen
Classification: Likely benign. Last evaluated: 2025-06-01. Review status: criteria provided, single submitter. Criteria: CeGaT Center For Human Genetics Tuebingen Variant Classification Criteria Version 2. Collection method: clinical testing. Allele origin: germline. Affected: yes. Observed: 1 variant allele.
Comment: CUX1: BP4, BS1